The following is an entry in ClinVar:

NM_000052.7(ATP7A):c.281C>T (p.Ala94Val)

Gene: ATP7A (ATPase copper transporting alpha; plus strand). Cytogenetic location: Xq21.1.
Variant type: single nucleotide variant.
Coding change: c.281C>T on transcript NM_000052.7 (MANE Select); coding-DNA position 281, C replaced by T.
Protein change: p.Ala94Val; replaces alanine 94 with valine.
Molecular consequence: missense variant.
Genome position (GRCh38, 1-based): chrX:77,988,402, C>T. VCF-style: chrX-77988402-C-T. GRCh37 (hg19) VCF-style: chrX-77243898-C-T.
Other names: c.281C>T, p.Ala94Val (NM_001282224.2); short protein forms A94V.
Identifiers: ClinVar variation 1796427 (VCV001796427.7), dbSNP rs1557231591, ClinGen allele CA413599288.

ClinVar aggregate classification (germline): Conflicting classifications of pathogenicity. Review status: criteria provided, conflicting classifications (1 of 4 stars). 2 submissions from 2 submitters: Uncertain significance (1); Likely benign (1). Last evaluated 2023-10-22.

Conditions:
Inborn genetic diseases. Identifiers: MedGen C0950123, MeSH D030342.
Cutis laxa, X-linked (OHS). Also called: EDS IX; Occipital horn syndrome. Identifiers: Orphanet 198, MedGen C0268353, MONDO:0010572, OMIM 304150.
Menkes kinky-hair syndrome (MNK). Also called: Classic Menkes Disease; Copper transport disease; Menkes Disease. Identifiers: Orphanet 565, MedGen C0022716, MONDO:0010651, OMIM 309400.
X-linked distal spinal muscular atrophy type 3. Also called: NEURONOPATHY, DISTAL HEREDITARY MOTOR, X-LINKED; NEUROPATHY, DISTAL HEREDITARY MOTOR, X-LINKED; ATP7A-Related Distal Motor Neuropathy; SPINAL MUSCULAR ATROPHY, DISTAL, X-LINKED RECESSIVE. Identifiers: Orphanet 139557, MedGen C1845359, MONDO:0010338, OMIM 300489.

Allele frequency attached by ClinVar (database versions not stated): gnomAD 0.00001; gnomAD exomes 0.00001.
gnomAD v4.1: 7 of 1,209,627 alleles (0.00058%); highest among the groups gnomAD compares: South Asian, 0.0053%; no homozygotes.

Submissions (2):

Labcorp Genetics (formerly Invitae), Labcorp
Classification: Likely benign for X-linked distal spinal muscular atrophy type 3; Cutis laxa, X-linked; Menkes kinky-hair syndrome. Last evaluated: 2023-10-22. Review status: criteria provided, single submitter. Criteria: Invitae Variant Classification Sherloc (09022015). Collection method: clinical testing. Allele origin: germline.

Ambry Genetics
Classification: Uncertain significance for Inborn genetic diseases. Last evaluated: 2022-04-07. Review status: criteria provided, single submitter. Criteria: Ambry Variant Classification Scheme 2023. Collection method: clinical testing. Allele origin: germline.
Comment: The p.A94V variant (also known as c.281C>T), located in coding exon 2 of the ATP7A gene, results from a C to T substitution at nucleotide position 281. The alanine at codon 94 is replaced by valine, an amino acid with similar properties. Based on data from gnomAD, the T allele has an overall frequency of 0.002% (3/183165) total alleles studied, with 1 hemizygote observed. The highest observed frequency was 0.007% (1/13861) of East Asian alleles. This amino acid position is not well conserved in available vertebrate species. In addition, the in silico prediction for this alteration is inconclusive. Since supporting evidence is limited at this time, the clinical significance of this alteration remains unclear.